The following is an entry in ClinVar:

NM_019842.4(KCNQ5):c.972A>G (p.Gly324=)

Gene: KCNQ5 (potassium voltage-gated channel subfamily Q member 5; plus strand). Cytogenetic location: 6q13.
Variant type: single nucleotide variant.
Coding change: c.972A>G on transcript NM_019842.4 (MANE Select); coding-DNA position 972, A replaced by G.
Protein change: p.Gly324=; no amino-acid change (glycine 324 retained).
Molecular consequence: synonymous variant.
Genome position (GRCh38, 1-based): chr6:73,105,310, A>G. VCF-style: chr6-73105310-A-G. GRCh37 (hg19) VCF-style: chr6-73815033-A-G.
Other names: c.972A>G, p.Gly324= (NM_001160130.2, NM_001160132.2, NM_001160133.2 and 1 more transcripts).
Identifiers: ClinVar variation 717505 (VCV000717505.43), dbSNP rs138701359, ClinGen allele CA3886868.

ClinVar aggregate classification (germline): Benign/Likely benign. Review status: criteria provided, multiple submitters, no conflicts (2 of 4 stars). 5 submissions from 5 submitters: Benign (2); Likely benign (1). 2 of the submissions do not count toward it. Last evaluated 2026-09-01.

Conditions:
Intellectual developmental disorder, autosomal dominant 46. Also called: MENTAL RETARDATION, AUTOSOMAL DOMINANT 46; Intellectual disability, autosomal dominant 46. Identifiers: MedGen C4539851, MONDO:0030911, OMIM 617601.

Allele frequency attached by ClinVar (database versions not stated): gnomAD exomes 0.00330 and 0.00245; 1000 Genomes Project 30x 0.00016; 1000 Genomes Project 0.00060; TOPMed 0.00199; gnomAD 0.00208 and 0.00220; ExAC 0.00303.
gnomAD v4.1: 5,050 of 1,612,844 alleles (0.31%); highest among the groups gnomAD compares: Non-Finnish European, 0.39%; 16 homozygotes.

Submissions (5):

CeGaT Center for Human Genetics Tuebingen
Classification: Benign. Last evaluated: 2026-09-01. Review status: criteria provided, single submitter. Criteria: CeGaT Center For Human Genetics Tuebingen Variant Classification Criteria Version 2. Collection method: clinical testing. Allele origin: germline. Affected: yes. Observed: 23 variant alleles.
Comment: KCNQ5: BP4, BS1, BS2

Labcorp Genetics (formerly Invitae), Labcorp
Classification: Benign. Last evaluated: 2026-01-19. Review status: criteria provided, single submitter. Criteria: Invitae Variant Classification Sherloc (09022015). Collection method: clinical testing. Allele origin: germline.

Fulgent Genetics
Classification: Likely benign for Intellectual developmental disorder, autosomal dominant 46. Last evaluated: 2022-01-13. Review status: criteria provided, single submitter. Criteria: ACMG Guidelines, 2015. Collection method: clinical testing. Allele origin: unknown.

Clinical Genetics DNA and cytogenetics Diagnostics Lab, Erasmus MC, Erasmus Medical Center
Classification: Likely benign. Review status: no assertion criteria provided. Collection method: clinical testing. Allele origin: germline. Affected: yes. Study: VKGL Data-share Consensus. Not counted in ClinVar's aggregate classification.

Genome Diagnostics Laboratory, University Medical Center Utrecht
Classification: Likely benign. Review status: no assertion criteria provided. Collection method: clinical testing. Allele origin: germline. Affected: yes. Study: VKGL Data-share Consensus. Not counted in ClinVar's aggregate classification.